The following is an entry in ClinVar:

ClinVar aggregate classification (germline): Pathogenic. Review status: practice guideline (4 of 4 stars). 34 submissions from 32 submitters: Pathogenic (1). 33 of the submissions do not count toward it. Last evaluated 2004-03-03.

Conditions:
CFTR-related disorder (CFTR-RD). Also called: CFTR-related condition; CFTR-related disorders. Identifiers: MedGen C5924204, MONDO:7770004.
Cystic fibrosis diagnostic test.
Cystic fibrosis (CF). Also called: MUCOVISCIDOSIS. Identifiers: Orphanet 586, MedGen C0010674, MONDO:0009061, OMIM 219700. Disease mechanism: loss of function.
Congenital bilateral aplasia of vas deferens from CFTR mutation (CBAVD). Identifiers: Orphanet 48, MedGen C0403814, MONDO:0010178, OMIM 277180. Disease mechanism: loss of function.
Hereditary pancreatitis (PCTT). Also called: PRSS1-Related Hereditary Pancreatitis; Hereditary chronic pancreatitis. Identifiers: Orphanet 676, MedGen C0238339, MONDO:0008185, OMIM 167800.
Bronchiectasis with or without elevated sweat chloride 1 (BESC1). Also called: Cystic Fibrosis-Like Syndrome. Identifiers: Orphanet 60033, MedGen C2749757, MONDO:0008887, OMIM 211400.

Allele frequency attached by ClinVar (database versions not stated): 1000 Genomes Project 30x 0.00016; ExAC 0.00008; 1000 Genomes Project 0.00020; gnomAD exomes 0.00010; gnomAD 0.00030; TOPMed 0.00037.
gnomAD v4.1: 101 of 1,525,228 alleles (0.0066%); highest among the groups gnomAD compares: African/African-American, 0.12%; no homozygotes.

Submissions 1 to 9 of 34:

American College of Medical Genetics and Genomics  (ACMG)
Classification: Pathogenic for Cystic fibrosis. Last evaluated: 2004-03-03. Review status: practice guideline. Criteria: Guideline for cystic fibrosis carrier screening. Collection method: curation. Allele origin: germline. Inheritance: Autosomal recessive inheritance. Study: The ACMG recommended carrier screening panel.
ClinVar note: Converted during submission from pathogenic to Pathogenic.

CFTR2
Classification: Pathogenic for Cystic fibrosis. Last evaluated: 2017-03-17. Review status: reviewed by expert panel. Criteria: Sosnay PR et al. (Nat Genet 2013). Collection method: research. Allele origin: germline. Affected: yes. Study: CFTR2. Not counted in ClinVar's aggregate classification.

PreventionGenetics, part of Exact Sciences
Classification: Pathogenic for CFTR-related condition. Last evaluated: 2026-02-27. Review status: criteria provided, single submitter. Criteria: ACMG Guidelines, 2015. Collection method: clinical testing. Allele origin: germline. Not counted in ClinVar's aggregate classification.
Comment: The CFTR c.2988+1G>A variant is predicted to disrupt the GT donor site and interfere with normal splicing. This variant has previously been reported to be causative for cystic fibrosis (Wilschanski et al. 1995. PubMed ID: 7472820; Sosnay et al. 2013. PubMed ID: 23974870). This variant is reported in 0.12% of alleles in individuals of African descent in gnomAD. Variants that disrupt the consensus splice donor site in CFTR are expected to be pathogenic. This variant is interpreted as pathogenic.

Labcorp Genetics (formerly Invitae), Labcorp
Classification: Pathogenic for Cystic fibrosis. Last evaluated: 2026-02-04. Review status: criteria provided, single submitter. Criteria: Invitae Variant Classification Sherloc (09022015). Collection method: clinical testing. Allele origin: germline. Not counted in ClinVar's aggregate classification.
Comment: This sequence change affects a donor splice site in intron 18 of the CFTR gene. It is expected to disrupt RNA splicing. Variants that disrupt the donor or acceptor splice site typically lead to a loss of protein function (PMID: 16199547), and loss-of-function variants in CFTR are known to be pathogenic (PMID: 1695717, 7691345, 9725922). This variant is present in population databases (rs75096551, gnomAD 0.1%). Disruption of this splice site has been observed in individuals with cystic fibrosis, and is included in the American College of Medical Genetics (ACMG) panel of CF variants (PMID: 15371902, 23974870). This variant is also known as 3120+1G>A. ClinVar contains an entry for this variant (Variation ID: 7224). Algorithms developed to predict the effect of sequence changes on RNA splicing suggest that this variant may disrupt the consensus splice site. For these reasons, this variant has been classified as Pathogenic.

Institute of Human Genetics, University of Leipzig Medical Center
Classification: Pathogenic for Cystic fibrosis. Last evaluated: 2026-01-19. Review status: criteria provided, single submitter. Criteria: ACMG Guidelines, 2015. Collection method: clinical testing. Allele origin: unknown. Inheritance: Autosomal recessive inheritance. Affected: yes. Not counted in ClinVar's aggregate classification.
Comment: Criteria applied: PVS1,PM3_STR,PP4

NHS Central & South Genomic Laboratory Hub
Classification: Pathogenic for Cystic fibrosis diagnostic test. Last evaluated: 2025-10-21. Review status: criteria provided, single submitter. Criteria: ACMG Guidelines, 2015. Collection method: clinical testing. Allele origin: germline. Affected: yes. Not counted in ClinVar's aggregate classification.

Genetic Services Laboratory, University of Chicago
Classification: Pathogenic. Last evaluated: 2025-09-25. Review status: criteria provided, single submitter. Criteria: ACMG Guidelines, 2015. Collection method: clinical testing. Allele origin: germline. Not counted in ClinVar's aggregate classification.
Comment: The c.2988+1G>A variant: Is located in the canonical splice donor site/splice acceptor site of intron 18. Is predicted to affect normal splicing of the CFTR gene and result in an abnormal protein. Has been previously described in several individuals with CFTR-related disorders (PMIDs: 9683582, 9950364, 23206872, 23974870. Is reported in the gnomAD v4 database with a frequency of 0.12% in the African/African American subpopulation (dbSNP rs75096551). ClinVar contains an entry for this variant (Variation ID: 7224). Collectively, this evidence indicates that this variant is pathogenic.

Natera, Inc.
Classification: Pathogenic for CFTR-related disorders. Last evaluated: 2025-06-27. Review status: criteria provided, single submitter. Criteria: Natera Variant Classification Schema (03/2026). Collection method: clinical testing. Allele origin: germline. Not counted in ClinVar's aggregate classification.
Comment: The c.2988+1G>A variant in CFTR is a canonical splice donor site variant predicted to affect pre-mRNA splicing, which may result in an abnormal transcript and altered protein product. This variant is expected to result in nonsense mediated decay, truncation, or a dysfunctional protein product. This variant is rare in the general population with a frequency below the threshold expected for the associated phenotype(s). This variant has been observed in one or more individuals affected with the associated recessive disease, as either homozygous or compound heterozygous with a second variant (PMID: 17662673, 9429141). Given the available evidence, this variant is classified as Pathogenic.

Ambry Genetics
Classification: Pathogenic for Cystic fibrosis. Last evaluated: 2025-02-28. Review status: criteria provided, single submitter. Criteria: Ambry Variant Classification Scheme 2023. Collection method: clinical testing. Allele origin: germline. Not counted in ClinVar's aggregate classification.
Comment: The c.2988+1G>A intronic pathogenic mutation, is located one nucleotide after coding exon 18 of the CFTR gene. This is one of the most common pathogenic mutations in African American individuals diagnosed with cystic fibrosis (CF) (Zampoli On Behalf Of The Msac M. S. Afr. Med. J., 2018 Dec;109:16-19). In one study, this mutation was identified in ten African American individuals diagnosed with pancreatic insufficiency (PI) and elevated sweat chloride levels (Macek M Am. J. Hum. Genet. 1997 May;60(5):1122-7). This alteration was further described in four African American individuals, one who was homozygous and three compound heterozygous with another CFTR variant. All individuals demonstrated compromised lung function, elevated sweat chloride levels, and PI (Carles S et al. J. Med. Genet. 1996 Sep;33(9):802-4). A functional in vitro study of splice site alterations in CFTR noted this mutation generated no detectable CFTR protein (Sharma N et al Hum. Mutat. 2014 Oct;35(10):1249-59). Of note, this alteration is also known as 3120+1G>A in published literature. This nucleotide position is highly conserved in available vertebrate species. In silico splice site analysis predicts that this alteration will weaken the native splice donor site. In addition to the clinical data presented in the literature, alterations that disrupt the canonical splice site are expected to cause aberrant splicing, resulting in an abnormal protein or a transcript that is subject to nonsense-mediated mRNA decay. As such, this alteration is classified as pathogenic.

NM_000492.4(CFTR):c.2988+1G>A

Genes: CFTR (CF transmembrane conductance regulator; plus strand), CFTR-AS2 (CFTR antisense RNA 2; minus strand). Cytogenetic location: 7q31.2.
Variant type: single nucleotide variant.
Coding change: c.2988+1G>A on transcript NM_000492.4 (MANE Select); the canonical splice donor site of the intron after coding-DNA position 2988, G replaced by A.
Molecular consequence: splice donor variant.
Genome position (GRCh38, 1-based): chr7:117,606,754, G>A. VCF-style: chr7-117606754-G-A. GRCh37 (hg19) VCF-style: chr7-117246808-G-A.
Other names: 3120+1G>A; 3120+1G-A; 3120+1G->A; IVS16, G-A, +1.
Identifiers: ClinVar variation 7224 (VCV000007224.148), dbSNP rs75096551, ClinGen allele CA221018.
Genomic context (GRCh38, chr7:117,606,754, plus strand): 5'-TCCAAAGATATAGCAATTTTGGATGACCTTCTGCCTCTTACCATATTTGACTTCATCCAG[G>A]TATGTAAAAATAAGTACCGTTAAGTATGTCTGTATTATTAAAAAAACAATAACAAAAGCA-3'